The following is an entry in ClinVar:

NC_000011.9:g.(?_65303404)_(65311040_?)dup

Genes: LTBP3 (latent transforming growth factor beta binding protein 3; minus strand), SCYL1 (SCY1 like pseudokinase 1; plus strand). Cytogenetic location: 11q13.1.
Variant type: Duplication.
Identifiers: ClinVar variation 2423785 (VCV002423785.5).

ClinVar aggregate classification (germline): Uncertain significance (1 of 4 stars; one submission).

Conditions:
Brachyolmia-amelogenesis imperfecta syndrome. Also called: PLATYSPONDYLY WITH AMELOGENESIS IMPERFECTA; Tooth agenesis, selective, 6; Dental anomalies and short stature. Identifiers: Orphanet 2899, MedGen C1832594, MONDO:0011018, OMIM 601216. Disease mechanism: loss of function.

Submission:

Labcorp Genetics (formerly Invitae), Labcorp
Classification: Uncertain significance for Brachyolmia-amelogenesis imperfecta syndrome. Last evaluated: 2022-11-01. Review status: criteria provided, single submitter. Criteria: Invitae Variant Classification Sherloc (09022015). Collection method: clinical testing. Allele origin: germline.
Comment: In summary, the available evidence is currently insufficient to determine the role of this variant in disease. Therefore, it has been classified as a Variant of Uncertain Significance. Experimental studies and prediction algorithms are not available or were not evaluated, and the functional significance of this variant is currently unknown. This variant has not been reported in the literature in individuals affected with LTBP3-related conditions. This variant results in a copy number gain of the genomic region encompassing exon(s) 17-28 of the LTBP3 gene. This region includes the termination codon of the gene. This copy number gain extends beyond the assayed region for this gene and therefore may encompass additional genes. As the precise location of this event is unknown, it may be in tandem or it may be located elsewhere in the genome.